The following is an entry in ClinVar:

ClinVar aggregate classification (germline): Uncertain significance (1 of 4 stars; one submission).

gnomAD v4.1: 2 of 1,609,666 alleles (0.00012%); highest among the groups gnomAD compares: South Asian, 0.0022%; no homozygotes.

Submission:

Labcorp Genetics (formerly Invitae), Labcorp
Classification: Uncertain significance. Last evaluated: 2024-07-08. Review status: criteria provided, single submitter. Criteria: Invitae Variant Classification Sherloc (09022015). Collection method: clinical testing. Allele origin: germline.
Comment: This sequence change replaces alanine, which is neutral and non-polar, with valine, which is neutral and non-polar, at codon 1054 of the MYH14 protein (p.Ala1054Val). This variant is present in population databases (rs780640622, gnomAD 0.003%). This variant has not been reported in the literature in individuals affected with MYH14-related conditions. Advanced modeling of protein sequence and biophysical properties (such as structural, functional, and spatial information, amino acid conservation, physicochemical variation, residue mobility, and thermodynamic stability) performed at Invitae indicates that this missense variant is not expected to disrupt MYH14 protein function with a negative predictive value of 80%. In summary, the available evidence is currently insufficient to determine the role of this variant in disease. Therefore, it has been classified as a Variant of Uncertain Significance.

NM_001145809.2(MYH14):c.3284C>T (p.Ala1095Val)

Gene: MYH14 (myosin heavy chain 14; plus strand). Cytogenetic location: 19q13.33.
Variant type: single nucleotide variant.
Coding change: c.3284C>T on transcript NM_001145809.2 (MANE Select); coding-DNA position 3284, C replaced by T.
Protein change: p.Ala1095Val; replaces alanine 1095 with valine.
Molecular consequence: missense variant.
Genome position (GRCh38, 1-based): chr19:50,271,961, C>T. VCF-style: chr19-50271961-C-T. GRCh37 (hg19) VCF-style: chr19-50775218-C-T.
Other names: c.3185C>T, p.Ala1062Val (NM_001077186.2); c.3161C>T, p.Ala1054Val (NM_024729.4); short protein forms A1054V, A1062V, A1095V.
Identifiers: ClinVar variation 3671390 (VCV003671390.2).
Genomic context (GRCh38, chr19:50,271,961, plus strand): 5'-AGGAGGAGGAGAAGGTCAAGAGCCTCAATAAGCTACGGCTCAAATATGAGGCCACAATCG[C>T]AGACATGGAGGGTGAGCTCCCGCCCAGCCAGTAGGGGTCTGTGTGTGCTCTAATGGGGGA-3'
Protein context (NP_001139281.1, residues 1085-1105): KLRLKYEATI[Ala1095Val]DMEDRLRKEE